The following is an entry in ClinVar:

NM_000061.3(BTK):c.164dup (p.Ile56fs)

Gene: BTK (Bruton tyrosine kinase; minus strand). Cytogenetic location: Xq22.1.
Variant type: Duplication.
Coding change: c.164dup on transcript NM_000061.3 (MANE Select); coding-DNA position 164, one base duplicated (C; older notation c.164dupC).
Protein change: p.Ile56fs; shifts the reading frame from isoleucine 56.
Molecular consequence: frameshift variant.
Genome position (GRCh38, 1-based): chrX:101,374,612, G duplicated on the plus strand (C on the coding strand, the reverse complement: BTK is on the minus strand). VCF-style (leftmost placement, unchanged base first): chrX-101374611-T-TG. GRCh37 (hg19) VCF-style: chrX-100629599-T-TG.
Other names: c.266dup, p.Ile90fs (NM_001287344.2); c.164dup, p.Ile56fs (NM_001287345.2); c.164dupC (NM_000061.3); short protein forms I56fs, I90fs.
Identifiers: ClinVar variation 1683490 (VCV001683490.3), dbSNP rs2147447605, ClinGen allele CA2573159072.

ClinVar aggregate classification (germline): Pathogenic (0 of 4 stars; one submission).

Conditions:
X-linked agammaglobulinemia (XLA). Also called: Agammaglobulinemia, Bruton tyrosine kinase; Agammaglobulinemia, BTK; BTK-deficiency; IMMUNODEFICIENCY 1; Bruton's agammaglobulinemia; AGAMMAGLOBULINEMIA, X-LINKED, TYPE 1. Identifiers: Orphanet 229717, Orphanet 47, MedGen C0221026, MONDO:0010421, OMIM 300755.

Submission:

Institute of Medical Genetics and Genomics, Sir Ganga Ram Hospital
Classification: Pathogenic for X-linked agammaglobulinemia. Last evaluated: 2022-05-10. Review status: no assertion criteria provided. Collection method: clinical testing. Allele origin: germline. Inheritance: X-linked recessive inheritance. Affected: yes. Observed: 1 hemizygote.
Comment: The novel variant c.164dupC (p.Ile56Asnfs*4) has not been observed in gnomAD and 1000g. In-silico bioinformatic software predict this variant by mutation taster as Disease causing. Based on the phenotypic observation we classify this variant as pathogenic variant.